The following is an entry in ClinVar:

NM_005911.6(MAT2A):c.951+11T>C

Genes: GGCX (gamma-glutamyl carboxylase; minus strand), MAT2A (methionine adenosyltransferase 2A; plus strand). Cytogenetic location: 2p11.2.
Variant type: single nucleotide variant.
Coding change: c.951+11T>C on transcript NM_005911.6 (MANE Select); 11 bases into the intron after coding-DNA position 951, T replaced by C.
Molecular consequence: intron variant.
Genome position (GRCh38, 1-based): chr2:85,542,758, T>C. VCF-style: chr2-85542758-T-C. GRCh37 (hg19) VCF-style: chr2-85769881-T-C.
Identifiers: ClinVar variation 513354 (VCV000513354.9), dbSNP rs775531241, ClinGen allele CA1741510.
Genomic context (GRCh38, chr2:85,542,758, plus strand): 5'-TGGCAAAATCCCTTGTTAAAGGAGGTCTGTGCCGGAGGGTTCTTGTTCAGGTATACACTC[T>C]TTATATAACGAACGATTAAAAGTCATGTAAGTGGGAGGGTATTTAGTAGTAATCTACTTA-3'

ClinVar aggregate classification (germline): Likely benign. Review status: criteria provided, multiple submitters, no conflicts (2 of 4 stars). 3 submissions from 3 submitters: Likely benign (3). Last evaluated 2025-10-24.

Conditions:
Familial thoracic aortic aneurysm and aortic dissection (TAAD). Also called: Thoracic aortic aneurysms and dissections. Identifiers: Orphanet 91387, MedGen C4707243, MONDO:0019625.

Allele frequency attached by ClinVar (database versions not stated): ExAC 0.00001; gnomAD exomes 0.00002 and 0.00003; TOPMed 0.00005; gnomAD 0.00006.
gnomAD v4.1: 58 of 1,592,906 alleles (0.0036%); highest among the groups gnomAD compares: Non-Finnish European, 0.0047%; no homozygotes.

Submissions (3):

Labcorp Genetics (formerly Invitae), Labcorp
Classification: Likely benign for Familial thoracic aortic aneurysm and aortic dissection. Last evaluated: 2025-10-24. Review status: criteria provided, single submitter. Criteria: Invitae Variant Classification Sherloc (09022015). Collection method: clinical testing. Allele origin: germline.

Blueprint Genetics
Classification: Likely benign. Last evaluated: 2024-09-10. Review status: criteria provided, single submitter. Criteria: ACMG Guidelines, 2015. Collection method: clinical testing. Allele origin: germline.

GeneDx
Classification: Likely benign. Last evaluated: 2017-11-20. Review status: criteria provided, single submitter. Criteria: GeneDx Variant Classification (06012015). Collection method: clinical testing. Allele origin: germline. Affected: yes.
Comment: This variant is considered likely benign or benign based on one or more of the following criteria: it is a conservative change, it occurs at a poorly conserved position in the protein, it is predicted to be benign by multiple in silico algorithms, and/or has population frequency not consistent with disease.